The following is an entry in ClinVar:

ClinVar aggregate classification (germline): Uncertain significance (1 of 4 stars; one submission).

Conditions:
Autosomal dominant hypocalcemia 1 (HYPOC1). Also called: HYPOCALCEMIA, FAMILIAL. Identifiers: MedGen C3715128, MONDO:0011013, OMIM 601198.
Familial hypocalciuric hypercalcemia (FHH). Also called: Familial benign hypercalcemia. Identifiers: Orphanet 405, MedGen C1809471, MONDO:0018458.

Submission:

Labcorp Genetics (formerly Invitae), Labcorp
Classification: Uncertain significance for Familial hypocalciuric hypercalcemia; Autosomal dominant hypocalcemia 1. Last evaluated: 2025-01-11. Review status: criteria provided, single submitter. Criteria: Invitae Variant Classification Sherloc (09022015). Collection method: clinical testing. Allele origin: germline.
Comment: This sequence change falls in intron 5 of the CASR gene. It does not directly change the encoded amino acid sequence of the CASR protein. It affects a nucleotide within the consensus splice site. This variant is not present in population databases (gnomAD no frequency). This variant has been observed in individual(s) with hypocalciuric hypercalcemia (PMID: 26963950, 32347971). Variants that disrupt the consensus splice site are a relatively common cause of aberrant splicing (PMID: 17576681, 9536098). Algorithms developed to predict the effect of sequence changes on RNA splicing suggest that this variant may disrupt the consensus splice site. In summary, the available evidence is currently insufficient to determine the role of this variant in disease. Therefore, it has been classified as a Variant of Uncertain Significance.

Literature cited by the submitters: PubMed 26963950; PubMed 32347971; PubMed 17576681; PubMed 9536098.

NM_000388.4(CASR):c.1608+3A>C

Gene: CASR (calcium sensing receptor; plus strand). Cytogenetic location: 3q21.1.
Variant type: single nucleotide variant.
Coding change: c.1608+3A>C on transcript NM_000388.4 (MANE Select); 3 bases into the intron after coding-DNA position 1608, A replaced by C.
Molecular consequence: intron variant.
Genome position (GRCh38, 1-based): chr3:122,276,045, A>C. VCF-style: chr3-122276045-A-C. GRCh37 (hg19) VCF-style: chr3-121994892-A-C.
Other names: c.1608+3A>C (NM_001178065.2).
Identifiers: ClinVar variation 3759092 (VCV003759092.2).